The following is an entry in ClinVar:

ClinVar aggregate classification (germline): Uncertain significance (1 of 4 stars; one submission).

Allele frequency attached by ClinVar (database versions not stated): TOPMed below 0.00001; gnomAD exomes 0.00002; ExAC 0.00003; gnomAD 0.00003; 1000 Genomes Project 30x 0.00016; 1000 Genomes Project 0.00020.
gnomAD v4.1: 35 of 1,518,488 alleles (0.0023%); highest among the groups gnomAD compares: South Asian, 0.038%; 1 homozygote.

Submission:

Labcorp Genetics (formerly Invitae), Labcorp
Classification: Uncertain significance. Last evaluated: 2025-04-11. Review status: criteria provided, single submitter. Criteria: Invitae Variant Classification Sherloc (09022015). Collection method: clinical testing. Allele origin: germline.
Comment: This sequence change falls in intron 8 of the ARHGEF1 gene. It does not directly change the encoded amino acid sequence of the ARHGEF1 protein. It affects a nucleotide within the consensus splice site. This variant is present in population databases (rs530299976, gnomAD 0.04%). This variant has not been reported in the literature in individuals affected with ARHGEF1-related conditions. ClinVar contains an entry for this variant (Variation ID: 2144824). Variants that disrupt the consensus splice site are a relatively common cause of aberrant splicing (PMID: 17576681, 9536098). Algorithms developed to predict the effect of sequence changes on RNA splicing suggest that this variant is not likely to affect RNA splicing. In summary, the available evidence is currently insufficient to determine the role of this variant in disease. Therefore, it has been classified as a Variant of Uncertain Significance.

Literature cited by the submitters: PubMed 17576681; PubMed 9536098.

NM_004706.4(ARHGEF1):c.645-3C>T

Gene: ARHGEF1 (Rho guanine nucleotide exchange factor 1; plus strand). Cytogenetic location: 19q13.2.
Variant type: single nucleotide variant.
Coding change: c.645-3C>T on transcript NM_004706.4 (MANE Select); 3 bases into the intron before coding-DNA position 645, C replaced by T.
Molecular consequence: intron variant.
Genome position (GRCh38, 1-based): chr19:41,894,204, C>T. VCF-style: chr19-41894204-C-T. GRCh37 (hg19) VCF-style: chr19-42398277-C-T.
Other names: c.645-3C>T (NM_001396003.1, NM_001396000.1, NM_001396006.1); c.546-3C>T (NM_001396002.1, NM_198977.2, NM_001396004.1); c.690-3C>T (NM_199002.2).
Identifiers: ClinVar variation 2144824 (VCV002144824.4), dbSNP rs530299976, ClinGen allele CA9466016.
Genomic context (GRCh38, chr19:41,894,204, plus strand): 5'-GTGTGTGTGTGTGTGTGTGTGTGTCTTTGTGTGTGTTGAGCCCTCACTGTCCCTTCCCTA[C>T]AGTGCTGCCGTGGTCAACGCCATTGGCCTGTACATGCGCCACCTTGGGGTGCGGACCAAG-3'